The following is an entry in ClinVar:

ClinVar aggregate classification (germline): Pathogenic. Review status: criteria provided, multiple submitters, no conflicts (2 of 4 stars). 3 submissions from 3 submitters: Pathogenic (3). Last evaluated 2025-07-02.

Conditions:
Oculocutaneous albinism type 1A (OCA1A). Also called: Albinism, oculocutaneous, type IA. Identifiers: Orphanet 352731, Orphanet 79431, MedGen C4551504, MONDO:0008745, OMIM 203100. Disease mechanism: loss of function.

Submissions (3):

Labcorp Genetics (formerly Invitae), Labcorp
Classification: Pathogenic. Last evaluated: 2025-07-02. Review status: criteria provided, single submitter. Criteria: Invitae Variant Classification Sherloc (09022015). Collection method: clinical testing. Allele origin: germline.
Comment: This sequence change creates a premature translational stop signal (p.Trp238*) in the TYR gene. It is expected to result in an absent or disrupted protein product. Loss-of-function variants in TYR are known to be pathogenic (PMID: 23504663). This variant is not present in population databases (gnomAD no frequency). This premature translational stop signal has been observed in individual(s) with oculocutaneous albinism (PMID: 21458243). ClinVar contains an entry for this variant (Variation ID: 620587). For these reasons, this variant has been classified as Pathogenic.

Genome-Nilou Lab
Classification: Pathogenic for Oculocutaneous albinism type 1A. Last evaluated: 2021-07-22. Review status: criteria provided, single submitter. Criteria: ACMG Guidelines, 2015. Collection method: clinical testing. Allele origin: germline. Affected: no.

Molecular Diagnostics Laboratory, M Health Fairview: University of Minnesota
Classification: Pathogenic for Oculocutaneous albinism type 1A. Last evaluated: 2017-04-26. Review status: criteria provided, single submitter. Criteria: ACMG Guidelines, 2015. Collection method: clinical testing. Allele origin: germline. Affected: yes. Observed: 1 variant allele.

Literature cited by the submitters: PubMed 23504663 (cited by Labcorp Genetics (formerly Invitae), Labcorp); PubMed 21458243 (cited by Labcorp Genetics (formerly Invitae), Labcorp and Molecular Diagnostics Laboratory, M Health Fairview: University of Minnesota).

NM_000372.5(TYR):c.714G>A (p.Trp238Ter)

Gene: TYR (tyrosinase; plus strand). Cytogenetic location: 11q14.3.
Variant type: single nucleotide variant.
Coding change: c.714G>A on transcript NM_000372.5 (MANE Select); coding-DNA position 714, G replaced by A.
Protein change: p.Trp238Ter; replaces tryptophan 238 with a stop codon.
Molecular consequence: nonsense.
Genome position (GRCh38, 1-based): chr11:89,178,667, G>A. VCF-style: chr11-89178667-G-A. GRCh37 (hg19) VCF-style: chr11-88911835-G-A.
Other names: short protein forms W238*.
Identifiers: ClinVar variation 620587 (VCV000620587.9), dbSNP rs1565386964, ClinGen allele CA382035196.